The following is an entry in ClinVar:

NM_001083962.2(TCF4):c.1929G>C (p.Glu643Asp)

Gene: TCF4 (transcription factor 4; minus strand). Cytogenetic location: 18q21.2.
Variant type: single nucleotide variant.
Coding change: c.1929G>C on transcript NM_001083962.2 (MANE Select); coding-DNA position 1929, G replaced by C.
Protein change: p.Glu643Asp; replaces glutamic acid 643 with aspartic acid.
Molecular consequence: missense variant.
Genome position (GRCh38, 1-based): chr18:55,228,312, C>G on the plus strand (G>C on the coding strand, the complement: TCF4 is on the minus strand). VCF-style: chr18-55228312-C-G. GRCh37 (hg19) VCF-style: chr18-52895543-C-G.
Other names: p.E643D:GAG>GAC; c.2235G>C, p.Glu745Asp (NM_001243226.3); c.1857G>C, p.Glu619Asp (NM_001243227.2, NM_001348217.1, NM_001348218.2 and 1 more transcripts); c.1947G>C, p.Glu649Asp (NM_001243228.2); c.1908G>C, p.Glu636Asp (NM_001243230.2); c.1791G>C, p.Glu597Asp (NM_001243231.2); c.1716G>C, p.Glu572Asp (NM_001243232.1); c.1527G>C, p.Glu509Asp (NM_001243233.2, NM_001348212.2); and 15 more; short protein forms E643D, E601D, E614D, E615D, E620D, E479D, E509D, E572D.
Identifiers: ClinVar variation 207526 (VCV000207526.5), dbSNP rs796053412, ClinGen allele CA319089.

ClinVar aggregate classification (germline): Uncertain significance. Review status: criteria provided, multiple submitters, no conflicts (2 of 4 stars). 2 submissions from 2 submitters: Uncertain significance (2). Last evaluated 2024-06-13.

Conditions:
Pitt-Hopkins syndrome (PTHS). Also called: ENCEPHALOPATHY, SEVERE EPILEPTIC, WITH AUTONOMIC DYSFUNCTION; MENTAL RETARDATION, SYNDROMAL, WITH INTERMITTENT HYPERVENTILATION. Identifiers: Orphanet 2896, MedGen C1970431, MONDO:0012589, OMIM 610954.

Allele frequency attached by ClinVar (database versions not stated): gnomAD exomes below 0.00001.
gnomAD v4.1: 3 of 1,614,196 alleles (0.00019%); highest among the groups gnomAD compares: Non-Finnish European, 0.00025%; no homozygotes.

Submissions (2):

Labcorp Genetics (formerly Invitae), Labcorp
Classification: Uncertain significance for Pitt-Hopkins syndrome. Last evaluated: 2024-06-13. Review status: criteria provided, single submitter. Criteria: Invitae Variant Classification Sherloc (09022015). Collection method: clinical testing. Allele origin: germline.
Comment: This sequence change replaces glutamic acid, which is acidic and polar, with aspartic acid, which is acidic and polar, at codon 643 of the TCF4 protein (p.Glu643Asp). This variant is not present in population databases (gnomAD no frequency). This variant has not been reported in the literature in individuals affected with TCF4-related conditions. ClinVar contains an entry for this variant (Variation ID: 207526). Advanced modeling of protein sequence and biophysical properties (such as structural, functional, and spatial information, amino acid conservation, physicochemical variation, residue mobility, and thermodynamic stability) performed at Invitae indicates that this missense variant is not expected to disrupt TCF4 protein function with a negative predictive value of 80%. In summary, the available evidence is currently insufficient to determine the role of this variant in disease. Therefore, it has been classified as a Variant of Uncertain Significance.

GeneDx
Classification: Uncertain significance. Last evaluated: 2020-02-20. Review status: criteria provided, single submitter. Criteria: GeneDx Variant Classification Process June 2021. Collection method: clinical testing. Allele origin: germline. Affected: yes.
Comment: Not observed in large population cohorts (Lek et al., 2016); In silico analysis supports that this missense variant has a deleterious effect on protein structure/function; Has not been previously published as pathogenic or benign to our knowledge